The following is an entry in ClinVar:

NM_021005.4(NR2F2):c.129C>G (p.Pro43=)

Gene: NR2F2 (nuclear receptor subfamily 2 group F member 2; plus strand). Cytogenetic location: 15q26.2.
Variant type: single nucleotide variant.
Coding change: c.129C>G on transcript NM_021005.4 (MANE Select); coding-DNA position 129, C replaced by G.
Protein change: p.Pro43=; no amino-acid change (proline 43 retained).
Molecular consequence: synonymous variant. On other transcripts: intron variant (1).
Genome position (GRCh38, 1-based): chr15:96,332,234, C>G. VCF-style: chr15-96332234-C-G. GRCh37 (hg19) VCF-style: chr15-96875463-C-G.
Other names: c.44-1842C>G (NM_001145155.2).
Identifiers: ClinVar variation 241369 (VCV000241369.12), dbSNP rs551936462, ClinGen allele CA7750657.
Genomic context (GRCh38, chr15:96,332,234, plus strand): 5'-CTCGCAGGCGCCGCCCGTGCCCGGCCCGCCGCCCGGCGCCCCGCACACGCCACAGACGCC[C>G]GGCCAAGGGGGCCCAGCCAGCACGCCAGCCCAGACGGCGGCCGGTGGCCAGGGCGGCCCT-3'
Protein context (NP_066285.1, residues 33-53): PPGAPHTPQT[Pro43=]GQGGPASTPA

ClinVar aggregate classification (germline): Likely benign. Review status: criteria provided, multiple submitters, no conflicts (2 of 4 stars). 2 submissions from 2 submitters: Likely benign (2). Last evaluated 2026-07-01.

Conditions:
Congenital heart defects, multiple types, 4 (CHTD4). Identifiers: MedGen C4014310, MONDO:0014344, OMIM 615779.

Allele frequency attached by ClinVar (database versions not stated): ExAC below 0.00001; 1000 Genomes Project 30x 0.00016; 1000 Genomes Project 0.00020; gnomAD 0.00028 and 0.00029; TOPMed 0.00034.
gnomAD v4.1: 973 of 1,534,484 alleles (0.063%); highest among the groups gnomAD compares: Non-Finnish European, 0.08%; 1 homozygote.

Submissions (2):

CeGaT Center for Human Genetics Tuebingen
Classification: Likely benign. Last evaluated: 2026-07-01. Review status: criteria provided, single submitter. Criteria: CeGaT Center For Human Genetics Tuebingen Variant Classification Criteria Version 2. Collection method: clinical testing. Allele origin: germline. Affected: yes. Observed: 1 variant allele.
Comment: NR2F2: BP4, BP7

Labcorp Genetics (formerly Invitae), Labcorp
Classification: Likely benign for Congenital heart defects, multiple types, 4. Last evaluated: 2025-04-11. Review status: criteria provided, single submitter. Criteria: Invitae Variant Classification Sherloc (09022015). Collection method: clinical testing. Allele origin: germline.